The following is an entry in ClinVar:

NM_138691.3(TMC1):c.656T>C (p.Leu219Ser)

Gene: TMC1 (transmembrane channel like 1; plus strand). Cytogenetic location: 9q21.13.
Variant type: single nucleotide variant.
Coding change: c.656T>C on transcript NM_138691.3 (MANE Select); coding-DNA position 656, T replaced by C.
Protein change: p.Leu219Ser; replaces leucine 219 with serine.
Molecular consequence: missense variant.
Genome position (GRCh38, 1-based): chr9:72,754,799, T>C. VCF-style: chr9-72754799-T-C. GRCh37 (hg19) VCF-style: chr9-75369715-T-C.
Other names: short protein forms L219S.
Identifiers: ClinVar variation 1308174 (VCV001308174.3), dbSNP rs749608265, ClinGen allele CA5081753.

ClinVar aggregate classification (germline): Uncertain significance. Review status: criteria provided, multiple submitters, no conflicts (2 of 4 stars). 2 submissions from 2 submitters: Uncertain significance (2). Last evaluated 2023-11-18.

Conditions:
Inborn genetic diseases. Identifiers: MedGen C0950123, MeSH D030342.

Allele frequency attached by ClinVar (database versions not stated): gnomAD 0.00001; gnomAD exomes 0.00001 and 0.00002; TOPMed 0.00001; ExAC 0.00002.
gnomAD v4.1: 12 of 1,613,808 alleles (0.00074%); highest among the groups gnomAD compares: Non-Finnish European, 0.00093%; no homozygotes.

Submissions (2):

Ambry Genetics
Classification: Uncertain significance for Inborn genetic diseases. Last evaluated: 2023-11-18. Review status: criteria provided, single submitter. Criteria: Ambry Variant Classification Scheme 2023. Collection method: clinical testing. Allele origin: germline.

GeneDx
Classification: Uncertain significance. Last evaluated: 2019-03-20. Review status: criteria provided, single submitter. Criteria: GeneDx Variant Classification Process June 2021. Collection method: clinical testing. Allele origin: germline. Affected: yes.
Comment: In silico analysis, which includes protein predictors and evolutionary conservation, supports that this variant does not alter protein structure/function; Has not been previously published as pathogenic or benign to our knowledge